The following is an entry in ClinVar:

ClinVar aggregate classification (germline): Pathogenic (1 of 4 stars; one submission).

Submission:

Labcorp Genetics (formerly Invitae), Labcorp
Classification: Pathogenic. Last evaluated: 2025-02-04. Review status: criteria provided, single submitter. Criteria: Invitae Variant Classification Sherloc (09022015). Collection method: clinical testing. Allele origin: germline.
Comment: This sequence change creates a premature translational stop signal (p.Gln450Argfs*22) in the TOP3A gene. It is expected to result in an absent or disrupted protein product. Loss-of-function variants in TOP3A are known to be pathogenic (PMID: 30057030). This variant is present in population databases (rs775538755, gnomAD 0.003%). This variant has not been reported in the literature in individuals affected with TOP3A-related conditions. For these reasons, this variant has been classified as Pathogenic.

Literature cited by the submitters: PubMed 30057030.

NM_004618.5(TOP3A):c.1349del (p.Gln450fs)

Gene: TOP3A (DNA topoisomerase III alpha; minus strand). Cytogenetic location: 17p11.2.
Variant type: Deletion.
Coding change: c.1349del on transcript NM_004618.5 (MANE Select); coding-DNA position 1349, one base deleted (A; older notation c.1349delA).
Protein change: p.Gln450fs; shifts the reading frame from glutamine 450.
Molecular consequence: frameshift variant.
Genome position (GRCh38, 1-based): chr17:18,290,960, T deleted on the plus strand (A on the coding strand, the reverse complement: TOP3A is on the minus strand). VCF-style (leftmost placement, unchanged base first): chr17-18290959-CT-C. GRCh37 (hg19) VCF-style: chr17-18194273-CT-C.
Other names: c.1064del, p.Gln355fs (NM_001320759.2); short protein forms Q450fs, Q355fs.
Identifiers: ClinVar variation 4738857 (VCV004738857.1).